The following is an entry in ClinVar:

ClinVar aggregate classification (germline): Uncertain significance. Review status: criteria provided, multiple submitters, no conflicts (2 of 4 stars). 2 submissions from 2 submitters: Uncertain significance (2). Last evaluated 2023-04-26.

Conditions:
Inborn genetic diseases. Identifiers: MedGen C0950123, MeSH D030342.
Spastic paraplegia. Identifiers: MedGen C0037772, HP:0001258.

Allele frequency attached by ClinVar (database versions not stated): TOPMed 0.00002; gnomAD 0.00003; gnomAD exomes 0.00004 and 0.00005; ExAC 0.00005.
gnomAD v4.1: 80 of 1,614,136 alleles (0.005%); highest among the groups gnomAD compares: Non-Finnish European, 0.0066%; no homozygotes.

Submissions (2):

Ambry Genetics
Classification: Uncertain significance for Inborn genetic diseases. Last evaluated: 2023-04-26. Review status: criteria provided, single submitter. Criteria: Ambry Variant Classification Scheme 2023. Collection method: clinical testing. Allele origin: germline.

Labcorp Genetics (formerly Invitae), Labcorp
Classification: Uncertain significance for Spastic paraplegia. Last evaluated: 2021-08-24. Review status: criteria provided, single submitter. Criteria: Invitae Variant Classification Sherloc (09022015). Collection method: clinical testing. Allele origin: germline.
Comment: This sequence change replaces proline with serine at codon 2359 of the ZFYVE26 protein (p.Pro2359Ser). The proline residue is moderately conserved and there is a moderate physicochemical difference between proline and serine. This variant is present in population databases (rs747029622, ExAC 0.009%). This variant has not been reported in the literature in individuals affected with ZFYVE26-related conditions. Algorithms developed to predict the effect of missense changes on protein structure and function are either unavailable or do not agree on the potential impact of this missense change (SIFT: "Tolerated"; PolyPhen-2: "Probably Damaging"; Align-GVGD: "Class C0"). In summary, the available evidence is currently insufficient to determine the role of this variant in disease. Therefore, it has been classified as a Variant of Uncertain Significance.

NM_015346.4(ZFYVE26):c.7075C>T (p.Pro2359Ser)

Gene: ZFYVE26 (zinc finger FYVE-type containing 26; minus strand). Cytogenetic location: 14q24.1.
Variant type: single nucleotide variant.
Coding change: c.7075C>T on transcript NM_015346.4 (MANE Select); coding-DNA position 7075, C replaced by T.
Protein change: p.Pro2359Ser; replaces proline 2359 with serine.
Molecular consequence: missense variant.
Genome position (GRCh38, 1-based): chr14:67,754,124, G>A on the plus strand (C>T on the coding strand, the complement: ZFYVE26 is on the minus strand). VCF-style: chr14-67754124-G-A. GRCh37 (hg19) VCF-style: chr14-68220841-G-A.
Other names: short protein forms P2359S.
Identifiers: ClinVar variation 572678 (VCV000572678.7), dbSNP rs747029622, ClinGen allele CA7239072.